The following is an entry in ClinVar:

NM_007294.4(BRCA1):c.5074+1751G>A

Gene: BRCA1 (BRCA1 DNA repair associated; minus strand). Cytogenetic location: 17q21.31.
Variant type: single nucleotide variant.
Coding change: c.5074+1751G>A on transcript NM_007294.4 (MANE Select); 1751 bases into the intron after coding-DNA position 5074, G replaced by A.
Molecular consequence: intron variant.
Genome position (GRCh38, 1-based): chr17:43,065,857, C>T on the plus strand (G>A on the coding strand, the complement: BRCA1 is on the minus strand). VCF-style: chr17-43065857-C-T. GRCh37 (hg19) VCF-style: chr17-41217874-C-T.
Other names: IVS 17+1751G>A; c.4738+1751G>A (NM_001407954.1, NM_001407952.1, NM_001407950.1 and 3 more transcripts); c.1498+1751G>A (NM_001408504.1, NM_001408503.1, NM_001408502.1); c.1621+1751G>A (NM_001408463.1, NM_001408462.1, NM_001408458.1 and 7 more transcripts); c.4927+1751G>A (NM_001407847.1, NM_001407841.1, NM_001407838.1 and 12 more transcripts); c.4930+1751G>A (NM_001407740.1, NM_001407739.1, NM_001407741.1 and 21 more transcripts); c.1501+1751G>A (NM_001408499.1, NM_001408498.1, NM_001408501.1 and 3 more transcripts); c.4807+1751G>A (NM_001407933.1, NM_001407927.1, NM_001407931.1 and 4 more transcripts); and 72 more.
Identifiers: ClinVar variation 209335 (VCV000209335.2), dbSNP rs8176242, ClinGen allele CA276307.

ClinVar aggregate classification (germline): Benign (3 of 4 stars; one submission).

Conditions:
Breast-ovarian cancer, familial, susceptibility to, 1 (BROVCA1). Also called: BRCA1 Hereditary Breast and Ovarian Cancer; OVARIAN CANCER, SUSCEPTIBILITY TO. Identifiers: Orphanet 145, MedGen C2676676, MONDO:0011450, OMIM 604370. Disease mechanism: loss of function.

Allele frequency attached by ClinVar (database versions not stated): TOPMed 0.28344; gnomAD 0.29161 and 0.30028; 1000 Genomes Project 30x 0.33011; 1000 Genomes Project 0.33586.
gnomAD v4.1: 45,676 of 151,990 alleles (30%); highest among the groups gnomAD compares: South Asian, 49%; 7,429 homozygotes.

Submission:

Evidence-based Network for the Interpretation of Germline Mutant Alleles (ENIGMA)
Classification: Benign for Breast-ovarian cancer, familial 1. Last evaluated: 2015-01-12. Review status: reviewed by expert panel. Criteria: ENIGMA BRCA1/2 Classification Criteria (2015). Collection method: curation. Allele origin: germline.
Comment: Class 1 not pathogenic based on frequency >1% in an outbred sampleset. Frequency 0.3304 (Asian), 0.128 (African), 0.3575 (European), derived from 1000 genomes (2012-04-30).